The following is an entry in ClinVar:

ClinVar aggregate classification (germline): Pathogenic (1 of 4 stars; one submission).

Conditions:
Marinesco-Sjögren syndrome (MSS). Also called: Marinesco-Sjogren Syndrome; Marinesco-SjÃ¶gren syndrome. Identifiers: Orphanet 559, MedGen C0024814, MONDO:0009567, OMIM 248800.

Allele frequency attached by ClinVar (database versions not stated): gnomAD exomes below 0.00001.

Submission:

Labcorp Genetics (formerly Invitae), Labcorp
Classification: Pathogenic for Marinesco-Sjögren syndrome. Last evaluated: 2022-05-19. Review status: criteria provided, single submitter. Criteria: Invitae Variant Classification Sherloc (09022015). Collection method: clinical testing. Allele origin: germline.
Comment: This premature translational stop signal has been observed in individual(s) with Marinesco-Sjogren syndrome (PMID: 24176978). This variant is not present in population databases (gnomAD no frequency). This sequence change creates a premature translational stop signal (p.Phe345Leufs*8) in the SIL1 gene. While this is not anticipated to result in nonsense mediated decay, it is expected to disrupt the last 117 amino acid(s) of the SIL1 protein. This variant disrupts a region of the SIL1 protein in which other variant(s) (p.Gln414*) have been determined to be pathogenic (PMID: 19471582). This suggests that this is a clinically significant region of the protein, and that variants that disrupt it are likely to be disease-causing. For these reasons, this variant has been classified as Pathogenic.

Literature cited by the submitters: PubMed 24176978; PubMed 19471582.

NM_022464.5(SIL1):c.1035del (p.Phe345fs)

Gene: SIL1 (SIL1 nucleotide exchange factor; minus strand). Cytogenetic location: 5q31.2.
Variant type: Deletion.
Coding change: c.1035del on transcript NM_022464.5 (MANE Select); coding-DNA position 1035, one base deleted (C; older notation c.1035delC).
Protein change: p.Phe345fs; shifts the reading frame from phenylalanine 345.
Molecular consequence: frameshift variant.
Genome position (GRCh38, 1-based): chr5:138,947,468, G deleted on the plus strand (C on the coding strand, the reverse complement: SIL1 is on the minus strand). VCF-style (leftmost placement, unchanged base first): chr5-138947467-CG-C. GRCh37 (hg19) VCF-style: chr5-138283156-CG-C.
Other names: c.1035del, p.Phe345fs (NM_001037633.2); short protein forms F345fs.
Identifiers: ClinVar variation 2080055 (VCV002080055.4), dbSNP rs2534009524, ClinGen allele CA2520858695.